The following is an entry in ClinVar:

NM_001369.3(DNAH5):c.2392_2393insTGTGTATAAGAGACAGT (p.Asn798fs)

Genes: DNAH5 (dynein axonemal heavy chain 5; minus strand), DNAH5-AS1 (DNAH5 antisense RNA 1; plus strand). Cytogenetic location: 5p15.2.
Variant type: Insertion.
Coding change: c.2392_2393insTGTGTATAAGAGACAGT on transcript NM_001369.3 (MANE Select); coding-DNA positions 2392 to 2393, TGTGTATAAGAGACAGT inserted.
Protein change: p.Asn798fs; shifts the reading frame from asparagine 798.
Molecular consequence: frameshift variant.
Genome position: GRCh38 VCF-style: chr5-13894688-T-TACTGTCTCTTATACACA. GRCh37 (hg19) VCF-style: chr5-13894797-T-TACTGTCTCTTATACACA.
Other names: short protein forms N798fs.
Identifiers: ClinVar variation 5010963 (VCV005010963.1).
Genomic context (GRCh38, chr5:13,894,688, plus strand): 5'-CTAATTATTCAGGCAGACTTACTGATCTTTGCAAAAGTGTTTTCTAAATAAGCCTCAATA[T>TACTGTCTCTTATACACA]TCAGTGATGTCCAGGTCAGTGCAGCCAAGCCAGGTTGGAGAGCTTCATCCACTTTGGCCA-3'

ClinVar aggregate classification (germline): Pathogenic (1 of 4 stars; one submission).

Conditions:
Primary ciliary dyskinesia 3. Identifiers: Orphanet 244, MedGen C1837618, MONDO:0012085, OMIM 608644.

Submission:

Myriad Genetics, Inc.
Classification: Pathogenic for Primary ciliary dyskinesia 3. Last evaluated: 2024-05-14. Review status: criteria provided, single submitter. Criteria: Myriad Autosomal Dominant, Autosomal Recessive and X-Linked Classification Criteria (2023). Collection method: clinical testing. Allele origin: unknown.
Comment: NM_001369.2(DNAH5):c.2392_2393ins17(N798Mfs*12) is expected to be pathogenic in the context of primary ciliary dyskinesia, DNAH5-related. This variant is predicted to lead to an abnormal or absent protein product due to the creation of a premature termination codon in DNAH5, a gene where loss-of-function variants are known to be pathogenic. Please note: this variant was assessed in the context of healthy population screening.